The following is an entry in ClinVar:

NM_001042492.3(NF1):c.3380dup (p.Gly1128fs)

Gene: NF1 (neurofibromin 1; plus strand). Cytogenetic location: 17q11.2.
Variant type: Duplication.
Coding change: c.3380dup on transcript NM_001042492.3 (MANE Select); coding-DNA position 3380, one base duplicated (C; older notation c.3380dupC).
Protein change: p.Gly1128fs; shifts the reading frame from glycine 1128.
Molecular consequence: frameshift variant.
Genome position (GRCh38, 1-based): chr17:31,232,765, C duplicated. VCF-style (leftmost placement, unchanged base first): chr17-31232764-A-AC. GRCh37 (hg19) VCF-style: chr17-29559782-A-AC.
Other names: c.3380dup, p.Gly1128Argfs (NM_000267.4); short protein forms G1128fs.
Identifiers: ClinVar variation 844681 (VCV000844681.6), dbSNP rs2067135666, ClinGen allele CA916080656.
Genomic context (GRCh38, chr17:31,232,764, plus strand): 5'-TTCACATTATTTATGAACCTTTTGAATGACTGCAGTGAAGTTGAAGATGAAAGTGCGCAA[A>AC]CAGGTGGCAGGAAACGTGGCATGTCTCGGAGGCTGGCATCACTGAGGCACTGTACGGTCC-3'

ClinVar aggregate classification (germline): Pathogenic (1 of 4 stars; one submission).

Conditions:
Neurofibromatosis, type 1 (NF1). Also called: Peripheral type neurofibromatosis; VON RECKLINGHAUSEN DISEASE; Neurofibromatosis, type I; NEUROFIBROMATOSIS, TYPE I, SOMATIC. Identifiers: Orphanet 636, MedGen C0027831, MONDO:0018975, OMIM 162200. Disease mechanism: loss of function.

Submission:

Labcorp Genetics (formerly Invitae), Labcorp
Classification: Pathogenic for Neurofibromatosis, type 1. Last evaluated: 2019-01-25. Review status: criteria provided, single submitter. Criteria: Invitae Variant Classification Sherloc (09022015). Collection method: clinical testing. Allele origin: germline.
Comment: For these reasons, this variant has been classified as Pathogenic. Loss-of-function variants in NF1 are known to be pathogenic (PMID: 10712197, 23913538). This variant has not been reported in the literature in individuals with NF1-related conditions. This variant is not present in population databases (ExAC no frequency). This sequence change creates a premature translational stop signal (p.Gly1128Argfs*67) in the NF1 gene. It is expected to result in an absent or disrupted protein product.

Literature cited by the submitters: PubMed 10712197; PubMed 23913538.